The following is an entry in ClinVar:

ClinVar aggregate classification (germline): Uncertain significance (1 of 4 stars; one submission).

gnomAD v4.1: 1 of 1,494,468 alleles (0.000067%); highest among the groups gnomAD compares: Non-Finnish European, 0.000091%; no homozygotes.

Submission:

Mayo Clinic Laboratories, Mayo Clinic
Classification: Uncertain significance. Last evaluated: 2024-07-01. Review status: criteria provided, single submitter. Criteria: ACMG Guidelines, 2015. Collection method: clinical testing. Allele origin: germline. Observed: 1 variant allele.
Comment: PM2

NM_030787.4(CFHR5):c.971-6T>G

Gene: CFHR5 (complement factor H related 5; plus strand). Cytogenetic location: 1q31.3.
Variant type: single nucleotide variant.
Coding change: c.971-6T>G on transcript NM_030787.4 (MANE Select); 6 bases into the intron before coding-DNA position 971, T replaced by G.
Molecular consequence: intron variant.
Genome position (GRCh38, 1-based): chr1:196,998,122, T>G. VCF-style: chr1-196998122-T-G. GRCh37 (hg19) VCF-style: chr1-196967252-T-G.
Other names: p.?.
Identifiers: ClinVar variation 3380469 (VCV003380469.1).
Genomic context (GRCh38, chr1:196,998,122, plus strand): 5'-CTATTAATATTGCAGATATTTTATTGACATAATTGTTTAGTTTCTATTTAATATTATTTT[T>G]TATAGCAACACACCAACTTAAGAGGTGCAAAATAGCAGGAGTTAATATAAAAACATTACT-3'